The following is an entry in ClinVar:

ClinVar aggregate classification (germline): Likely pathogenic (1 of 4 stars; one submission).

Conditions:
Zellweger spectrum disorders (ZS). Also called: Zellweger Spectrum Disorder; Zellweger Spectrum; Zellweger syndrome; Zellweger Spectrum Disorder (ZSD). Identifiers: Orphanet 912, MedGen C0043459, MONDO:0019609.

Submission:

Labcorp Genetics (formerly Invitae), Labcorp
Classification: Likely pathogenic for Zellweger spectrum disorders. Last evaluated: 2021-12-27. Review status: criteria provided, single submitter. Criteria: Invitae Variant Classification Sherloc (09022015). Collection method: clinical testing. Allele origin: germline.
Comment: In summary, the currently available evidence indicates that the variant is pathogenic, but additional data are needed to prove that conclusively. Therefore, this variant has been classified as Likely Pathogenic. Algorithms developed to predict the effect of sequence changes on RNA splicing suggest that this variant may disrupt the consensus splice site. This variant has not been reported in the literature in individuals affected with PEX1-related conditions. This variant is not present in population databases (gnomAD no frequency). This variant results in the deletion of part of exon 10 (c.1793_1803+1del) of the PEX1 gene. It is expected to disrupt RNA splicing. Variants that disrupt the donor or acceptor splice site typically lead to a loss of protein function (PMID: 16199547), and loss-of-function variants in PEX1 are known to be pathogenic (PMID: 9398847, 16086329, 16141001, 21031596, 26387595, 31831025).

Literature cited by the submitters: PubMed 16199547; PubMed 9398847; PubMed 16086329; PubMed 16141001; PubMed 21031596; PubMed 26387595; PubMed 31831025.

NM_000466.3(PEX1):c.1793_1803+1del

Gene: PEX1 (peroxisomal biogenesis factor 1; minus strand). Cytogenetic location: 7q21.2.
Variant type: Deletion.
Coding change: c.1793_1803+1del on transcript NM_000466.3 (MANE Select); coding-DNA position 1793 through the canonical splice donor site of the intron after coding-DNA position 1803, 12 bases deleted (CAGGAGGAAAGG).
Molecular consequence: splice donor variant.
Genome position (GRCh38, 1-based): chr7:92,506,993-92,507,004, CCTTTCCTCCTG deleted on the plus strand (CAGGAGGAAAGG on the coding strand, the reverse complement: PEX1 is on the minus strand). VCF-style (leftmost placement, unchanged base first): chr7-92506992-ACCTTTCCTCCTG-A. GRCh37 (hg19) VCF-style: chr7-92136306-ACCTTTCCTCCTG-A.
Other names: c.1793_1803+1del (NM_001282677.2); c.1169_1179+1del (NM_001282678.2).
Identifiers: ClinVar variation 1488849 (VCV001488849.6), dbSNP rs2116180739, ClinGen allele CA2573142418.